The following is an entry in ClinVar:

NM_000214.3(JAG1):c.321C>A (p.Phe107Leu)

Gene: JAG1 (jagged canonical Notch ligand 1; minus strand). Cytogenetic location: 20p12.2.
Variant type: single nucleotide variant.
Coding change: c.321C>A on transcript NM_000214.3 (MANE Select); coding-DNA position 321, C replaced by A.
Protein change: p.Phe107Leu; replaces phenylalanine 107 with leucine.
Molecular consequence: missense variant.
Genome position (GRCh38, 1-based): chr20:10,672,767, G>T on the plus strand (C>A on the coding strand, the complement: JAG1 is on the minus strand). VCF-style: chr20-10672767-G-T. GRCh37 (hg19) VCF-style: chr20-10653415-G-T.
Other names: short protein forms F107L.
Identifiers: ClinVar variation 3573270 (VCV003573270.2).

Conditions:
Arteriohepatic dysplasia. Also called: Alagille Syndrome. Identifiers: Orphanet 52, MedGen C0085280, MeSH D016738, MONDO:0007318.

Submission:

Gilbert/Spinner Lab, Children's Hospital of Philadelphia
No classification provided (evidence only). Condition: Alagille syndrome. Review status: no classification provided. Collection method: research. Allele origin: not applicable. Functional consequence: functionally_abnormal.
ClinVar note: "not provided" was previously submitted as the classification for the variant. However, the classification appeared to be based only on an observation of functional data so it was converted to no classification on 2025-07-30.